The following is an entry in ClinVar:

ClinVar aggregate classification (germline): Uncertain significance (1 of 4 stars; one submission).

gnomAD v4.1: 7 of 1,614,250 alleles (0.00043%); highest among the groups gnomAD compares: Non-Finnish European, 0.00051%; no homozygotes.

Submission:

Labcorp Genetics (formerly Invitae), Labcorp
Classification: Uncertain significance. Last evaluated: 2025-10-14. Review status: criteria provided, single submitter. Criteria: Invitae Variant Classification Sherloc (09022015). Collection method: clinical testing. Allele origin: germline.
Comment: This sequence change replaces lysine, which is basic and polar, with glutamine, which is neutral and polar, at codon 962 of the ARHGAP31 protein (p.Lys962Gln). This variant is not present in population databases (gnomAD no frequency). This variant has not been reported in the literature in individuals affected with ARHGAP31-related conditions. An algorithm developed to predict the effect of missense changes on protein structure and function outputs the following: PolyPhen-2: "Benign". The glutamine amino acid residue is found in multiple mammalian species, which suggests that this missense change does not adversely affect protein function. In summary, the available evidence is currently insufficient to determine the role of this variant in disease. Therefore, it has been classified as a Variant of Uncertain Significance.

NM_020754.4(ARHGAP31):c.2884A>C (p.Lys962Gln)

Gene: ARHGAP31 (Rho GTPase activating protein 31; plus strand). Cytogenetic location: 3q13.33.
Variant type: single nucleotide variant.
Coding change: c.2884A>C on transcript NM_020754.4 (MANE Select); coding-DNA position 2884, A replaced by C.
Protein change: p.Lys962Gln; replaces lysine 962 with glutamine.
Molecular consequence: missense variant.
Genome position (GRCh38, 1-based): chr3:119,414,813, A>C. VCF-style: chr3-119414813-A-C. GRCh37 (hg19) VCF-style: chr3-119133660-A-C.
Other names: short protein forms K962Q.
Identifiers: ClinVar variation 4779304 (VCV004779304.1).